The following is an entry in ClinVar:

ClinVar aggregate classification (germline): Pathogenic (1 of 4 stars; one submission).

Conditions:
Early-infantile DEE. Also called: Ohtahara syndrome; Early infantile epileptic encephalopathy with suppression bursts; Early infantile epileptic encephalopathy. Identifiers: Orphanet 1934, MedGen C0393706, MONDO:0800491.

Submission:

Labcorp Genetics (formerly Invitae), Labcorp
Classification: Pathogenic for Early-infantile DEE. Last evaluated: 2024-05-15. Review status: criteria provided, single submitter. Criteria: Invitae Variant Classification Sherloc (09022015). Collection method: clinical testing. Allele origin: germline.
Comment: This sequence change replaces alanine, which is neutral and non-polar, with aspartic acid, which is acidic and polar, at codon 2319 of the SPTAN1 protein (p.Ala2319Asp). This variant is not present in population databases (gnomAD no frequency). This missense change has been observed in individual(s) with clinical features of epileptic encephalopathy with cerebellar atrophy (Invitae). In at least one individual the variant was observed to be de novo. ClinVar contains an entry for this variant (Variation ID: 1414392). Advanced modeling of protein sequence and biophysical properties (such as structural, functional, and spatial information, amino acid conservation, physicochemical variation, residue mobility, and thermodynamic stability) performed at Invitae indicates that this missense variant is expected to disrupt SPTAN1 protein function with a positive predictive value of 95%. For these reasons, this variant has been classified as Pathogenic.

NM_001130438.3(SPTAN1):c.6956C>A (p.Ala2319Asp)

Gene: SPTAN1 (spectrin alpha, non-erythrocytic 1; plus strand). Cytogenetic location: 9q34.11.
Variant type: single nucleotide variant.
Coding change: c.6956C>A on transcript NM_001130438.3 (MANE Select); coding-DNA position 6956, C replaced by A.
Protein change: p.Ala2319Asp; replaces alanine 2319 with aspartic acid.
Molecular consequence: missense variant.
Genome position (GRCh38, 1-based): chr9:128,632,320, C>A. VCF-style: chr9-128632320-C-A. GRCh37 (hg19) VCF-style: chr9-131394599-C-A.
Other names: c.6881C>A, p.Ala2294Asp (NM_001195532.2); c.7019C>A, p.Ala2340Asp (NM_001363759.2); c.6896C>A, p.Ala2299Asp (NM_001363765.2, NM_001375314.2); c.7043C>A, p.Ala2348Asp (NM_001375310.1); c.6956C>A, p.Ala2319Asp (NM_001375311.2); c.6992C>A, p.Ala2331Asp (NM_001375312.2); c.6938C>A, p.Ala2313Asp (NM_001375313.1); c.7055C>A, p.Ala2352Asp (NM_001375318.1); and 1 more; short protein forms A2313D, A2319D, A2294D, A2314D, A2331D, A2348D, A2299D, A2340D.
Identifiers: ClinVar variation 1414392 (VCV001414392.7), dbSNP rs2132090668, ClinGen allele CA375099254.